The following is an entry in ClinVar:

ClinVar aggregate classification (germline): Uncertain significance/Uncertain risk allele. Review status: criteria provided, multiple submitters, no conflicts (2 of 4 stars). 6 submissions from 6 submitters: Uncertain significance (5); Uncertain risk allele (1). Last evaluated 2025-06-04.

Conditions:
Hepatic adenomas, familial. Also called: LIVER CELL ADENOMAS, FAMILIAL; HEPATIC ADENOMA, SOMATIC. Identifiers: MedGen C1840646, MONDO:0007718, OMIM 142330.
Type 1 diabetes mellitus 20 (T1D20). Also called: Diabetes mellitus, insulin-dependent, 20. Identifiers: MedGen C2675866, MONDO:0012919, OMIM 612520.
Maturity-onset diabetes of the young type 3. Also called: MODY, type III; MODY type 3. Identifiers: Orphanet 552, MedGen C1838100, MeSH C563933, MONDO:0010894, OMIM 600496. Disease mechanism: loss of function.
Nonpapillary renal cell carcinoma. Identifiers: Orphanet 422526, MedGen CN074294, MONDO:0007763, OMIM 144700.
Diabetes mellitus type 1 (T1D). Also called: Type I diabetes mellitus; Diabetes Mellitus, Juvenile-Onset. Identifiers: MedGen C0011854, MONDO:0005147, OMIM 222100, HP:0100651.
Type 2 diabetes mellitus. Also called: Type II diabetes mellitus. Identifiers: MedGen C0011860, MeSH D003924, MONDO:0005148, OMIM 125853, HP:0005978.
Maturity-onset diabetes of the young (MODY). Also called: Maturity onset diabetes mellitus in young. Identifiers: Orphanet 552, MedGen C0342276, MONDO:0018911, HP:0004904.

Allele frequency attached by ClinVar (database versions not stated): gnomAD exomes 0.00001 and 0.00003; ExAC 0.00002; gnomAD 0.00002; TOPMed 0.00004.
gnomAD v4.1: 17 of 1,594,080 alleles (0.0011%); highest among the groups gnomAD compares: Admixed American, 0.012%; no homozygotes.

Submissions (6):

3billion
Classification: Uncertain significance for Maturity-onset diabetes of the young type 3. Last evaluated: 2025-06-04. Review status: criteria provided, single submitter. Criteria: ACMG Guidelines, 2015. Collection method: clinical testing. Allele origin: germline. Affected: yes.
Comment: The variant is observed at an extremely low frequency in the gnomAD v4.1.0 dataset (total allele frequency: 0.001%). Predicted Consequence/Location: Missense variant In silico tool predictions suggest damaging effect of the variant on gene or gene product [REVEL: 0.69 (>=0.6, sensitivity 0.68 and specificity 0.92)]. The same nucleotide change resulting in the same amino acid change has been previously reported to be associated with HNF1A-related disorder (PMID: 18003757; ClinVar: VCV000402948). However, the evidence of pathogenicity is insufficient at this time. Therefore, this variant is classified as VUS according to the recommendation of ACMG/AMP guideline.

Genetics Department, Catlab
Classification: Uncertain significance for Maturity-onset diabetes of the young type 3. Last evaluated: 2024-10-15. Review status: criteria provided, single submitter. Criteria: ACMG Guidelines, 2015. Collection method: clinical testing. Allele origin: germline. Affected: yes. Observed: 1 variant allele.
Comment: The c.923C>T variant in the HNF1A gene has not been previously described in patients with diabetes MODY to our knowledge. The variants has a very low frequency in gnomAD 4.0 (AF=1.0664e-05) (PM2) and REVEL value is 0.687 (PP3). With all the available evidence, the variant is classified as of unknown significance.

Fulgent Genetics
Classification: Uncertain significance for Type 2 diabetes mellitus; Hepatic adenomas, familial; Nonpapillary renal cell carcinoma; Diabetes mellitus type 1; Maturity-onset diabetes of the young type 3; Type 1 diabetes mellitus 20. Last evaluated: 2021-11-29. Review status: criteria provided, single submitter. Criteria: ACMG Guidelines, 2015. Collection method: clinical testing. Allele origin: unknown.

Labcorp Genetics (formerly Invitae), Labcorp
Classification: Uncertain significance. Last evaluated: 2021-09-15. Review status: criteria provided, single submitter. Criteria: Invitae Variant Classification Sherloc (09022015). Collection method: clinical testing. Allele origin: germline.
Comment: This missense change has been observed in individual(s) with clinical features of autosomal dominant maturity-onset diabetes of the young (PMID: 18003757). This sequence change replaces proline with leucine at codon 308 of the HNF1A protein (p.Pro308Leu). The proline residue is moderately conserved and there is a moderate physicochemical difference between proline and leucine. This variant is present in population databases (rs754306821, ExAC 0.03%). ClinVar contains an entry for this variant (Variation ID: 402948). Advanced modeling of protein sequence and biophysical properties (such as structural, functional, and spatial information, amino acid conservation, physicochemical variation, residue mobility, and thermodynamic stability) performed at Invitae indicates that this missense variant is expected to disrupt HNF1A protein function. In summary, the available evidence is currently insufficient to determine the role of this variant in disease. Therefore, it has been classified as a Variant of Uncertain Significance.

Laboratory for Molecular Medicine, Mass General Brigham Personalized Medicine
Classification: Uncertain significance. Last evaluated: 2016-10-13. Review status: criteria provided, single submitter. Criteria: LMM Criteria. Collection method: clinical testing. Allele origin: germline.
Comment: Variant identified in a genome or exome case(s) and assessed due to predicted null impact of the variant or pathogenic assertions in the literature or databases. Disclaimer: This variant has not undergone full assessment. The following are preliminary notes: Variant seen in 1 affected patient in HGMD. Max MAF of 0.03% in ExAC.

Clinical Genomics, Uppaluri K&H Personalized Medicine Clinic
Classification: Uncertain risk allele for Maturity-onset diabetes of the young. Review status: criteria provided, single submitter. Criteria: K & H Uppaluri Personalized Medicine Clinic Variant Classification & Assertion Criteria_Updated V.1. Collection method: research. Allele origin: unknown. Inheritance: Autosomal dominant inheritance.
Comment: Mutations in HNF1A gene can predispose to MODY3. It is associated with both micro and macrovascular complications of diabetes, especially cardiovascular complications. Associated with glucosuria. May respond well to sulfonylureas. However, more evidence is required to confer the association of this particular variant rs754306821 with MODY3.

Literature cited by the submitters: PubMed 18003757 (cited by 3billion and Labcorp Genetics (formerly Invitae), Labcorp); PubMed 31517624 (cited by Clinical Genomics, Uppaluri K&H Personalized Medicine Clinic); PubMed 35328643 (cited by Clinical Genomics, Uppaluri K&H Personalized Medicine Clinic); PubMed 32395877 (cited by Clinical Genomics, Uppaluri K&H Personalized Medicine Clinic); PubMed 35673428 (cited by Clinical Genomics, Uppaluri K&H Personalized Medicine Clinic).

NM_000545.8(HNF1A):c.923C>T (p.Pro308Leu)

Gene: HNF1A (HNF1 homeobox A; plus strand). Cytogenetic location: 12q24.31.
Variant type: single nucleotide variant.
Coding change: c.923C>T on transcript NM_000545.8 (MANE Select); coding-DNA position 923, C replaced by T.
Protein change: p.Pro308Leu; replaces proline 308 with leucine.
Molecular consequence: missense variant.
Genome position (GRCh38, 1-based): chr12:120,994,373, C>T. VCF-style: chr12-120994373-C-T. GRCh37 (hg19) VCF-style: chr12-121432176-C-T.
Other names: c.923C>T, p.Pro308Leu (NM_001306179.2); c.923C>T (NM_000545.6); short protein forms P308L.
Identifiers: ClinVar variation 402948 (VCV000402948.13), dbSNP rs754306821, ClinGen allele CA6831869.